The following is an entry in ClinVar:

NM_004006.3(DMD):c.1823C>T (p.Ala608Val)

Gene: DMD (dystrophin; minus strand). Cytogenetic location: Xp21.1.
Variant type: single nucleotide variant.
Coding change: c.1823C>T on transcript NM_004006.3 (MANE Select); coding-DNA position 1823, C replaced by T.
Protein change: p.Ala608Val; replaces alanine 608 with valine.
Molecular consequence: missense variant.
Genome position (GRCh38, 1-based): chrX:32,565,871, G>A on the plus strand (C>T on the coding strand, the complement: DMD is on the minus strand). VCF-style: chrX-32565871-G-A. GRCh37 (hg19) VCF-style: chrX-32583988-G-A.
Other names: p.A608V:GCG>GTG; c.1799C>T, p.Ala600Val (NM_000109.4); c.1811C>T, p.Ala604Val (NM_004009.3); c.1454C>T, p.Ala485Val (NM_004010.3); short protein forms A608V, A600V, A485V, A604V.
Identifiers: ClinVar variation 201744 (VCV000201744.16), dbSNP rs189896732, ClinGen allele CA308379.
Genomic context (GRCh38, chrX:32,565,871, plus strand): 5'-AGAAGATCTTGTTTGAGTGAATACAGTTTGCCCATGGATTGCTTTTTCTTTTCTAGATCC[G>A]CTTTTAAAACCTGTTAAAACAAGAAAGATCACAGAATAAGCCTGGGTTGCATTCCATACA-3'
Protein context (NP_003997.2, residues 598-618): SSLQKLAVLK[Ala608Val]DLEKKKQSMG

ClinVar aggregate classification (germline): Conflicting classifications of pathogenicity. Review status: criteria provided, conflicting classifications (1 of 4 stars). 5 submissions from 5 submitters: Uncertain significance (3); Benign (1); Likely benign (1). Last evaluated 2026-04-08.

Conditions:
Cardiovascular phenotype. Identifiers: MedGen CN230736.
Duchenne muscular dystrophy (DMD). Also called: MUSCULAR DYSTROPHY, PSEUDOHYPERTROPHIC PROGRESSIVE, DUCHENNE TYPE; Duchenne Muscular Dystrophy (DMD). Identifiers: Orphanet 98896, MedGen C0013264, MONDO:0010679, OMIM 310200.

Allele frequency attached by ClinVar (database versions not stated): TOPMed 0.00001; gnomAD 0.00002; ExAC 0.00003; 1000 Genomes Project 0.00026; 1000 Genomes Project 30x 0.00042.
gnomAD v4.1: 13 of 1,207,636 alleles (0.0011%); highest among the groups gnomAD compares: East Asian, 0.0059%; no homozygotes.

Submissions (5):

Women's Health and Genetics/Laboratory Corporation of America, LabCorp
Classification: Likely benign. Last evaluated: 2026-04-08. Review status: criteria provided, single submitter. Criteria: LabCorp Variant Classification Summary - May 2015. Collection method: clinical testing. Allele origin: germline.
Comment: Variant summary: DMD c.1823C>T (p.Ala608Val) results in a non-conservative amino acid change in the encoded protein sequence. Algorithms developed to predict the effect of missense changes on protein structure and function are either unavailable or do not agree on the potential impact of this missense change. The variant allele was found at a frequency of 3.3e-05 in 180845 control chromosomes including 4 hemizygotes. c.1823C>T has been observed in individual(s) affected with Duchenne Muscular Dystrophy (Cunniff_2009). These report(s) do not provide unequivocal conclusions about association of the variant with Duchenne Muscular Dystrophy. To our knowledge, no experimental evidence demonstrating an impact on protein function has been reported. The following publication has been ascertained in the context of this evaluation (PMID: 19074751). ClinVar contains an entry for this variant (Variation ID: 201744). Based on the evidence outlined above, the variant was classified as likely benign.

Labcorp Genetics (formerly Invitae), Labcorp
Classification: Benign for Duchenne muscular dystrophy. Last evaluated: 2026-02-03. Review status: criteria provided, single submitter. Criteria: Invitae Variant Classification Sherloc (09022015). Collection method: clinical testing. Allele origin: germline.

Revvity Omics, Revvity
Classification: Uncertain significance. Last evaluated: 2022-01-25. Review status: criteria provided, single submitter. Criteria: ACMG Guidelines, 2015. Collection method: clinical testing. Allele origin: germline.

Ambry Genetics
Classification: Uncertain significance for Cardiovascular phenotype. Last evaluated: 2021-01-26. Review status: criteria provided, single submitter. Criteria: Ambry Variant Classification Scheme 2023. Collection method: clinical testing. Allele origin: germline.
Comment: The p.A608V variant (also known as c.1823C>T), located in coding exon 16 of the DMD gene, results from a C to T substitution at nucleotide position 1823. The alanine at codon 608 is replaced by valine, an amino acid with similar properties. Based on data from gnomAD, the T allele has an overall frequency of 0.003% (6/180845) total alleles studied, with 4 hemizygotes observed. The highest observed frequency was 0.015% (2/13001) of African/African-American alleles. This amino acid position is poorly conserved in available vertebrate species. In addition, this alteration is predicted to be tolerated by in silico analysis. Since supporting evidence is limited at this time, the clinical significance of this alteration remains unclear.

GeneDx
Classification: Uncertain significance. Last evaluated: 2014-06-04. Review status: criteria provided, single submitter. Criteria: GeneDx Variant Classification (06012015). Collection method: clinical testing. Allele origin: germline. Affected: yes.
Comment: p.Ala608Val (GCG>GTG): c.1823 C>T in exon 16 of the DMD gene (NM_004006.2). A variant of unknown significance has been identified in the DMD gene. The A608V variant has not been published as a mutation or as a benign polymorphism to our knowledge. The 1000 Genomes Project reports A608V was observed in 0.2%, 1/492 alleles, of individuals of African ancestry, indicating it may be a rare benign variant in this population. In addition, the A608V variant is a conservative amino acid substitution, which is not likely to impact secondary protein structure as these residues share similar properties. This substitution occurs at a position that is not conserved across species. Furthermore, in silico analysis predicts this variant likely does not alter the protein structure/function. However a missense mutation in a nearby residue (M617T) has been reported in association with a DMD-related disorder, supporting the functional importance of this region of the protein. Therefore, based on the currently available information, it is unclear whether this variant is a pathogenic mutation or a rare benign variant. The variant is found in CARDIOMYOPATHY panel(s).

Literature cited by the submitters: PubMed 19074751 (cited by Women's Health and Genetics/Laboratory Corporation of America, LabCorp and Ambry Genetics).